The following is an entry in ClinVar:

ClinVar aggregate classification (germline): Uncertain significance (1 of 4 stars; one submission).

Conditions:
Perlman syndrome (PRLMNS). Identifiers: Orphanet 2849, MedGen C0796113, MONDO:0009965, OMIM 267000.

Submission:

Labcorp Genetics (formerly Invitae), Labcorp
Classification: Uncertain significance for Perlman syndrome. Last evaluated: 2024-11-22. Review status: criteria provided, single submitter. Criteria: Invitae Variant Classification Sherloc (09022015). Collection method: clinical testing. Allele origin: germline.
Comment: This sequence change replaces threonine, which is neutral and polar, with proline, which is neutral and non-polar, at codon 248 of the DIS3L2 protein (p.Thr248Pro). This variant is not present in population databases (gnomAD no frequency). This variant has not been reported in the literature in individuals affected with DIS3L2-related conditions. Invitae Evidence Modeling of protein sequence and biophysical properties (such as structural, functional, and spatial information, amino acid conservation, physicochemical variation, residue mobility, and thermodynamic stability) indicates that this missense variant is not expected to disrupt DIS3L2 protein function with a negative predictive value of 80%. In summary, the available evidence is currently insufficient to determine the role of this variant in disease. Therefore, it has been classified as a Variant of Uncertain Significance.

NM_152383.5(DIS3L2):c.742A>C (p.Thr248Pro)

Gene: DIS3L2 (DIS3 like 3'-5' exoribonuclease 2; plus strand). Cytogenetic location: 2q37.1.
Variant type: single nucleotide variant.
Coding change: c.742A>C on transcript NM_152383.5 (MANE Select); coding-DNA position 742, A replaced by C.
Protein change: p.Thr248Pro; replaces threonine 248 with proline.
Molecular consequence: missense variant. On other transcripts: non-coding transcript variant (1).
Genome position (GRCh38, 1-based): chr2:232,136,511, A>C. VCF-style: chr2-232136511-A-C. GRCh37 (hg19) VCF-style: chr2-233001221-A-C.
Other names: c.742A>C, p.Thr248Pro (NM_001257281.2); short protein forms T248P.
Identifiers: ClinVar variation 3702559 (VCV003702559.2).
Genomic context (GRCh38, chr2:232,136,511, plus strand): 5'-CTATATCTTTGGTGTTTTTAGGTGGTTTACATCTTGGAGAAAAAACATTCTCGAGCAGCA[A>C]CCGGCTTCCTCAAACTCTTGGCTGATAAGAACAGCGAACTGTTTAGGAAATACGCCCTGT-3'
Protein context (NP_689596.4, residues 238-258): ILEKKHSRAA[Thr248Pro]GFLKLLADKN